The following is an entry in ClinVar:

ClinVar aggregate classification (germline): Pathogenic (1 of 4 stars; one submission).

Conditions:
Metachromatic leukodystrophy (MLD). Also called: ARSA DEFICIENCY; CEREBROSIDE SULFATASE DEFICIENCY; METACHROMATIC LEUKOENCEPHALOPATHY; Arylsulfatase A Deficiency; SULFATIDE LIPIDOSIS; Cerebral sclerosis diffuse metachromatic form. Identifiers: Orphanet 512, MedGen C0023522, MONDO:0018868, OMIM 250100.

Submission:

Foundation for Research in Genetics and Endocrinology, FRIGE's Institute of Human Genetics
Classification: Pathogenic for Metachromatic leukodystrophy. Last evaluated: 2023-07-27. Review status: criteria provided, single submitter. Criteria: ACMG Guidelines, 2015. Collection method: clinical testing. Allele origin: germline. Inheritance: Autosomal recessive inheritance. Affected: yes. Observed: 1 homozygote.
Comment: A Homozygous variation in exon 2 of the ARSA gene that results in the amino acid substitution of Threonine for Lysine at codon 125 was detected. The observed variant c.374A>C (p.Lys125Thr) has not been reported in the 1000 genomes and gnomAD databases. The in silico prediction of the variant is disease causing by MutationTaster, SIFT, PolyPhen-2, CADD and DANN. In summary, the variant meets our criteria to be classified as pathogenic.

NM_000487.6(ARSA):c.374A>C (p.Lys125Thr)

Gene: ARSA (arylsulfatase A; minus strand). Cytogenetic location: 22q13.33.
Variant type: single nucleotide variant.
Coding change: c.374A>C on transcript NM_000487.6 (MANE Select); coding-DNA position 374, A replaced by C.
Protein change: p.Lys125Thr; replaces lysine 125 with threonine.
Molecular consequence: missense variant.
Genome position (GRCh38, 1-based): chr22:50,627,257, T>G on the plus strand (A>C on the coding strand, the complement: ARSA is on the minus strand). VCF-style: chr22-50627257-T-G. GRCh37 (hg19) VCF-style: chr22-51065685-T-G.
Other names: p.Lys125Thr; c.374A>C, p.Lys125Thr (NM_001085425.3, NM_001085426.3, NM_001085427.3); c.116A>C, p.Lys39Thr (NM_001085428.3, NM_001362782.2); short protein forms K125T, K39T.
Identifiers: ClinVar variation 2573996 (VCV002573996.2), dbSNP rs2518333855, ClinGen allele CA412180758.